The following is an entry in ClinVar:

ClinVar aggregate classification (germline): Uncertain significance. Review status: criteria provided, multiple submitters, no conflicts (2 of 4 stars). 2 submissions from 2 submitters: Uncertain significance (2). Last evaluated 2026-04-20.

Conditions:
Inborn genetic diseases. Identifiers: MedGen C0950123, MeSH D030342.
Fanconi anemia (FA). Also called: Fanconi's anemia. Identifiers: Orphanet 84, MedGen C0015625, MeSH D005199, MONDO:0019391.

Submissions (2):

Ambry Genetics
Classification: Uncertain significance for Inborn genetic diseases. Last evaluated: 2026-04-20. Review status: criteria provided, single submitter. Criteria: Ambry Variant Classification Scheme 2023. Collection method: clinical testing. Allele origin: germline.
Comment: The p.H1272R variant (also known as c.3815A>G), located in coding exon 38 of the FANCA gene, results from an A to G substitution at nucleotide position 3815. The histidine at codon 1272 is replaced by arginine, an amino acid with highly similar properties. This amino acid position is conserved. In addition, this alteration is predicted to be tolerated by in silico analysis. Based on the available evidence, the clinical significance of this variant remains unclear.

Labcorp Genetics (formerly Invitae), Labcorp
Classification: Uncertain significance for Fanconi anemia. Last evaluated: 2025-05-05. Review status: criteria provided, single submitter. Criteria: Invitae Variant Classification Sherloc (09022015). Collection method: clinical testing. Allele origin: germline.
Comment: This sequence change replaces histidine, which is basic and polar, with arginine, which is basic and polar, at codon 1272 of the FANCA protein (p.His1272Arg). This variant is not present in population databases (gnomAD no frequency). This variant has not been reported in the literature in individuals affected with FANCA-related conditions. ClinVar contains an entry for this variant (Variation ID: 2115274). Invitae Evidence Modeling of protein sequence and biophysical properties (such as structural, functional, and spatial information, amino acid conservation, physicochemical variation, residue mobility, and thermodynamic stability) indicates that this missense variant is not expected to disrupt FANCA protein function with a negative predictive value of 95%. In summary, the available evidence is currently insufficient to determine the role of this variant in disease. Therefore, it has been classified as a Variant of Uncertain Significance.

NM_000135.4(FANCA):c.3815A>G (p.His1272Arg)

Genes: FANCA (FA complementation group A; minus strand), ZNF276 (zinc finger protein 276; plus strand). Cytogenetic location: 16q24.3.
Variant type: single nucleotide variant.
Coding change: c.3815A>G on transcript NM_000135.4 (MANE Select); coding-DNA position 3815, A replaced by G.
Protein change: p.His1272Arg; replaces histidine 1272 with arginine.
Molecular consequence: missense variant. On other transcripts: 3 prime UTR variant (2), non-coding transcript variant (4).
Genome position (GRCh38, 1-based): chr16:89,740,817, T>C on the plus strand (A>G on the coding strand, the complement: FANCA is on the minus strand). VCF-style: chr16-89740817-T-C. GRCh37 (hg19) VCF-style: chr16-89807225-T-C.
Other names: c.3815A>G, p.His1272Arg (NM_001286167.3); c.*2571T>C (NM_001113525.2, NM_152287.4); short protein forms H1272R.
Identifiers: ClinVar variation 2115274 (VCV002115274.3), dbSNP rs1242851513, ClinGen allele CA397485153.